The following is an entry in ClinVar:

ClinVar aggregate classification (germline): Pathogenic/Likely pathogenic. Review status: criteria provided, multiple submitters, no conflicts (2 of 4 stars). 2 submissions from 2 submitters: Pathogenic (1); Likely pathogenic (1). Last evaluated 2024-10-10.

Conditions:
Spastic paraplegia. Identifiers: MedGen C0037772, HP:0001258.
Hereditary spastic paraplegia 12 (SPG12). Also called: SPASTIC PARAPLEGIA 12, AUTOSOMAL DOMINANT. Identifiers: Orphanet 100993, MedGen C1858106, MONDO:0011489, OMIM 604805.

Submissions (2):

Labcorp Genetics (formerly Invitae), Labcorp
Classification: Pathogenic for Spastic paraplegia. Last evaluated: 2024-10-10. Review status: criteria provided, single submitter. Criteria: Invitae Variant Classification Sherloc (09022015). Collection method: clinical testing. Allele origin: germline.
Comment: This sequence change creates a premature translational stop signal (p.Gly309Alafs*13) in the RTN2 gene. It is expected to result in an absent or disrupted protein product. Loss-of-function variants in RTN2 are known to be pathogenic (PMID: 22232211, 27165006). This variant is not present in population databases (gnomAD no frequency). This variant has not been reported in the literature in individuals affected with RTN2-related conditions. ClinVar contains an entry for this variant (Variation ID: 2433038). For these reasons, this variant has been classified as Pathogenic.

Revvity Omics, Revvity
Classification: Likely pathogenic for Hereditary spastic paraplegia 12. Last evaluated: 2022-07-26. Review status: criteria provided, single submitter. Criteria: ACMG Guidelines, 2015. Collection method: clinical testing. Allele origin: germline.

Literature cited by the submitters: PubMed 22232211 (cited by Labcorp Genetics (formerly Invitae), Labcorp); PubMed 27165006 (cited by Labcorp Genetics (formerly Invitae), Labcorp).

NM_005619.5(RTN2):c.926del (p.Gly309fs)

Genes: RTN2 (reticulon 2; minus strand), OPA3-RTN2 (OPA3-RTN2 readthrough; minus strand). Cytogenetic location: 19q13.32.
Variant type: Deletion.
Coding change: c.926del on transcript NM_005619.5 (MANE Select); coding-DNA position 926, one base deleted (G; older notation c.926delG).
Protein change: p.Gly309fs; shifts the reading frame from glycine 309.
Molecular consequence: frameshift variant. On other transcripts: intron variant (1).
Genome position (GRCh38, 1-based): chr19:45,493,267, C deleted on the plus strand (G on the coding strand, the reverse complement: RTN2 is on the minus strand); the first of 4 consecutive C bases (chr19:45,493,267-45,493,270); deleting any one gives the same sequence. VCF-style (leftmost placement, unchanged base first): chr19-45493266-GC-G. GRCh37 (hg19) VCF-style: chr19-45996524-GC-G.
Other names: c.814+899del (NM_206900.3); short protein forms G309fs.
Identifiers: ClinVar variation 2433038 (VCV002433038.5), dbSNP rs2513740146, ClinGen allele CA2580097397.